The following is an entry in ClinVar:

NM_174936.4(PCSK9):c.996+7dup

Gene: PCSK9 (proprotein convertase subtilisin/kexin type 9; plus strand). Cytogenetic location: 1p32.3.
Variant type: Duplication.
Coding change: c.996+7dup on transcript NM_174936.4 (MANE Select); 7 bases into the intron after coding-DNA position 996, one base duplicated (G; older notation c.996+7dupG).
Molecular consequence: intron variant.
Genome position (GRCh38, 1-based): chr1:55,056,196, G duplicated. VCF-style (leftmost placement, unchanged base first): chr1-55056195-T-TG. GRCh37 (hg19) VCF-style: chr1-55521868-T-TG.
Other names: c.621+7dup (NM_001407246.1); c.1119+7dup (NM_001407240.1); c.999+7dup (NM_001407242.1); c.996+7dup (NM_001407241.1, NM_001407244.1, NM_001407247.1); c.939+7dup (NM_001407243.1); c.804+7dup (NM_001407245.1).
Identifiers: ClinVar variation 3387439 (VCV003387439.2).

ClinVar aggregate classification (germline): Conflicting classifications of pathogenicity. Review status: criteria provided, conflicting classifications (1 of 4 stars). 2 submissions from 2 submitters: Uncertain significance (1); Likely benign (1). Last evaluated 2025-09-03.

Conditions:
Hypercholesterolemia, autosomal dominant, 3 (FHCL3). Also called: Familial Hypercholesterolemia, Autosomal Dominant, 3; PCSK9-Related Familial Hypercholesterolemia, Autosomal Dominant; Familial hypercholesterolemia 3. Identifiers: MedGen C1863551, MONDO:0011369, OMIM 603776.

Submissions (2):

Labcorp Genetics (formerly Invitae), Labcorp
Classification: Likely benign for Hypercholesterolemia, autosomal dominant, 3. Last evaluated: 2025-09-03. Review status: criteria provided, single submitter. Criteria: Invitae Variant Classification Sherloc (09022015). Collection method: clinical testing. Allele origin: germline.

All of Us Research Program, National Institutes of Health
Classification: Uncertain significance for Hypercholesterolemia, autosomal dominant, 3. Last evaluated: 2024-08-23. Review status: criteria provided, single submitter. Criteria: ACMG Guidelines, 2015. Collection method: clinical testing. Allele origin: germline. Inheritance: Autosomal dominant inheritance. Observed: 1 variant allele, 1 heterozygote.
Comment: This variant duplicates one nucleotide in intron 6 of the PCSK9 gene. To our knowledge, functional studies have not been reported for this variant. This variant has not been reported in individuals affected with PCSK9-related disorders in the literature. This variant has not been identified in the general population by the Genome Aggregation Database (gnomAD). The available evidence is insufficient to determine the role of this variant in disease conclusively. Therefore, this variant is classified as a Variant of Uncertain Significance.

This study involves interpretation of variants in research participants for the purpose of population health screening. Participant phenotype was not available at the time of variant classification. Additional details can be found in publication PMID: 35346344, PMCID: PMC8962531